The following is an entry in ClinVar:

NM_003238.6(TGFB2):c.297C>A (p.Tyr99Ter)

Gene: TGFB2 (transforming growth factor beta 2; plus strand). Cytogenetic location: 1q41.
Variant type: single nucleotide variant.
Coding change: c.297C>A on transcript NM_003238.6 (MANE Select); coding-DNA position 297, C replaced by A.
Protein change: p.Tyr99Ter; replaces tyrosine 99 with a stop codon.
Molecular consequence: nonsense. On other transcripts: non-coding transcript variant (2).
Genome position (GRCh38, 1-based): chr1:218,346,998, C>A. VCF-style: chr1-218346998-C-A. GRCh37 (hg19) VCF-style: chr1-218520340-C-A.
Other names: c.297C>A, p.Tyr99Ter (NM_001135599.4); short protein forms Y99*.
Identifiers: ClinVar variation 224874 (VCV000224874.4), dbSNP rs760759052, ClinGen allele CA353619.
Genomic context (GRCh38, chr1:218,346,998, plus strand): 5'-GGAGAAGGCGAGCCGGAGGGCGGCCGCCTGCGAGCGCGAGAGGAGCGACGAAGAGTACTA[C>A]GCCAAGGAGGTTTACAAAATAGACATGCCGCCCTTCTTCCCCTCCGAAAGTAAGTACTTA-3'

ClinVar aggregate classification (germline): Pathogenic. Review status: criteria provided, multiple submitters, no conflicts (2 of 4 stars). 2 submissions from 2 submitters: Pathogenic (2). Last evaluated 2024-07-03.

Conditions:
Loeys-Dietz syndrome 4 (LDS4). Also called: TGFB2-Related Loeys-Dietz Syndrome; ANEURYSM, AORTIC AND CEREBRAL, WITH ARTERIAL TORTUOSITY AND SKELETAL MANIFESTATIONS. Identifiers: MedGen C3553762, MONDO:0013897, OMIM 614816.

Submissions (2):

Labcorp Genetics (formerly Invitae), Labcorp
Classification: Pathogenic for Loeys-Dietz syndrome 4. Last evaluated: 2024-07-03. Review status: criteria provided, single submitter. Criteria: Invitae Variant Classification Sherloc (09022015). Collection method: clinical testing. Allele origin: germline.
Comment: This sequence change creates a premature translational stop signal (p.Tyr99*) in the TGFB2 gene. It is expected to result in an absent or disrupted protein product. Loss-of-function variants in TGFB2 are known to be pathogenic (PMID: 22772368, 22772371, 30739908). This variant is not present in population databases (gnomAD no frequency). This premature translational stop signal has been observed in individual(s) with thoracic aortic aneurysm and dissection (PMID: 22772368). ClinVar contains an entry for this variant (Variation ID: 224874). For these reasons, this variant has been classified as Pathogenic.

Baylor-Hopkins Center for Mendelian Genomics, Johns Hopkins University School of Medicine
Classification: Pathogenic for Loeys-Dietz syndrome 4. Review status: criteria provided, single submitter. Criteria: Submitter's publication. Collection method: research. Allele origin: de novo. Affected: yes. Observed: 1 heterozygote.

Literature cited by the submitters: PubMed 22772368 (cited by Labcorp Genetics (formerly Invitae), Labcorp); PubMed 22772371 (cited by Labcorp Genetics (formerly Invitae), Labcorp); PubMed 30739908 (cited by Labcorp Genetics (formerly Invitae), Labcorp).